The following is an entry in ClinVar:

ClinVar aggregate classification (germline): Uncertain significance. Review status: criteria provided, multiple submitters, no conflicts (2 of 4 stars). 2 submissions from 2 submitters: Uncertain significance (2). Last evaluated 2025-12-10.

Conditions:
Inborn genetic diseases. Identifiers: MedGen C0950123, MeSH D030342.

Allele frequency attached by ClinVar (database versions not stated): ESP Exome Variant Server 0.00008; gnomAD 0.00005; TOPMed 0.00005; gnomAD exomes 0.00016; ExAC 0.00003.
gnomAD v4.1: 240 of 1,614,116 alleles (0.015%); highest among the groups gnomAD compares: Non-Finnish European, 0.019%; no homozygotes.

Submissions (2):

Ambry Genetics
Classification: Uncertain significance for Inborn genetic diseases. Last evaluated: 2025-12-10. Review status: criteria provided, single submitter. Criteria: Ambry Variant Classification Scheme 2023. Collection method: clinical testing. Allele origin: germline.

Labcorp Genetics (formerly Invitae), Labcorp
Classification: Uncertain significance. Last evaluated: 2022-04-25. Review status: criteria provided, single submitter. Criteria: Invitae Variant Classification Sherloc (09022015). Collection method: clinical testing. Allele origin: germline.
Comment: This sequence change replaces isoleucine, which is neutral and non-polar, with valine, which is neutral and non-polar, at codon 248 of the CSGALNACT1 protein (p.Ile248Val). This variant is present in population databases (rs372233360, gnomAD 0.01%). This variant has not been reported in the literature in individuals affected with CSGALNACT1-related conditions. Algorithms developed to predict the effect of missense changes on protein structure and function (SIFT, PolyPhen-2, Align-GVGD) all suggest that this variant is likely to be tolerated. In summary, the available evidence is currently insufficient to determine the role of this variant in disease. Therefore, it has been classified as a Variant of Uncertain Significance.

NM_001354483.2(CSGALNACT1):c.742A>G (p.Ile248Val)

Gene: CSGALNACT1 (chondroitin sulfate N-acetylgalactosaminyltransferase 1; minus strand). Cytogenetic location: 8p21.3.
Variant type: single nucleotide variant.
Coding change: c.742A>G on transcript NM_001354483.2 (MANE Select); coding-DNA position 742, A replaced by G.
Protein change: p.Ile248Val; replaces isoleucine 248 with valine.
Molecular consequence: missense variant. On other transcripts: non-coding transcript variant (7).
Genome position (GRCh38, 1-based): chr8:19,458,535, T>C on the plus strand (A>G on the coding strand, the complement: CSGALNACT1 is on the minus strand). VCF-style: chr8-19458535-T-C. GRCh37 (hg19) VCF-style: chr8-19316046-T-C.
Other names: c.742A>G, p.Ile248Val (NM_001130518.2, NM_001354475.2, NM_001354476.2 and 18 more transcripts); c.742A>G (NM_001130518.1); short protein forms I248V.
Identifiers: ClinVar variation 2191851 (VCV002191851.5), dbSNP rs372233360, ClinGen allele CA4654130.
Genomic context (GRCh38, chr8:19,458,535, plus strand): 5'-GCACGATAACATTGATAAGCGTGTTGGCCATGTTGAGCTTTTCATTTTTCACTTTCATGA[T>C]GGGGCCGAATGGTCGAAATAAGATGAGCCGTTTGAATTCGTGTTTGTGGTCCCCTTTGAA-3'
Protein context (NP_001341412.1, residues 238-258): RLILFRPFGP[Ile248Val]MKVKNEKLNM